The following is an entry in ClinVar:

NM_005445.4(SMC3):c.877G>A (p.Ala293Thr)

Gene: SMC3 (structural maintenance of chromosomes 3; plus strand). Cytogenetic location: 10q25.2.
Variant type: single nucleotide variant.
Coding change: c.877G>A on transcript NM_005445.4 (MANE Select); coding-DNA position 877, G replaced by A.
Protein change: p.Ala293Thr; replaces alanine 293 with threonine.
Molecular consequence: missense variant.
Genome position (GRCh38, 1-based): chr10:110,583,456, G>A. VCF-style: chr10-110583456-G-A. GRCh37 (hg19) VCF-style: chr10-112343214-G-A.
Other names: short protein forms A293T.
Identifiers: ClinVar variation 3026954 (VCV003026954.22), dbSNP rs1347572810, ClinGen allele CA378379128.

ClinVar aggregate classification (germline): Uncertain significance (1 of 4 stars; one submission).

Allele frequency attached by ClinVar (database versions not stated): gnomAD exomes 0.00001.

Submission:

CeGaT Center for Human Genetics Tuebingen
Classification: Uncertain significance. Last evaluated: 2024-01-01. Review status: criteria provided, single submitter. Criteria: CeGaT Center For Human Genetics Tuebingen Variant Classification Criteria Version 2. Collection method: clinical testing. Allele origin: germline. Affected: yes. Observed: 1 variant allele.
Comment: SMC3: PP2